The following is an entry in ClinVar:

NM_006005.3(WFS1):c.1714_1731del (p.Ile572_Leu577del)

Gene: WFS1 (wolframin ER transmembrane glycoprotein; plus strand). Cytogenetic location: 4p16.1.
Variant type: Deletion.
Coding change: c.1714_1731del on transcript NM_006005.3 (MANE Select); coding-DNA positions 1714 to 1731, 18 bases deleted (ATCCTGGTGGCCGGCCTG).
Protein change: p.Ile572_Leu577del.
Genome position (GRCh38, 1-based): chr4:6,301,509-6,301,526, ATCCTGGTGGCCGGCCTG deleted. VCF-style (leftmost placement, unchanged base first): chr4-6301508-CATCCTGGTGGCCGGCCTG-C. GRCh37 (hg19) VCF-style: chr4-6303235-CATCCTGGTGGCCGGCCTG-C.
Other names: c.1714_1731del, p.Ile572_Leu577del (NM_001145853.1).
Identifiers: ClinVar variation 3721913 (VCV003721913.2).
Genomic context (GRCh38, chr4:6,301,508, plus strand): 5'-CACCGGCCTGGGGCTGCTCCGCGCCTCCATCGGCTACTTCCTCTTCCTCTTTGCCCTCCC[CATCCTGGTGGCCGGCCTG>C]GCCCTGGTGGGCGTGCTGCAGTTCGCCCGGTGGTTCACGTCTCTGGAGCTCACCAAGATC-3'

ClinVar aggregate classification (germline): Uncertain significance (1 of 4 stars; one submission).

Submission:

Labcorp Genetics (formerly Invitae), Labcorp
Classification: Uncertain significance. Last evaluated: 2024-12-02. Review status: criteria provided, single submitter. Criteria: Invitae Variant Classification Sherloc (09022015). Collection method: clinical testing. Allele origin: germline.
Comment: This variant, c.1714_1731del, results in the deletion of 6 amino acid(s) of the WFS1 protein (p.Ile572_Leu577del), but otherwise preserves the integrity of the reading frame. This variant is not present in population databases (gnomAD no frequency). This variant has not been reported in the literature in individuals affected with WFS1-related conditions. Experimental studies and prediction algorithms are not available or were not evaluated, and the functional significance of this variant is currently unknown. In summary, the available evidence is currently insufficient to determine the role of this variant in disease. Therefore, it has been classified as a Variant of Uncertain Significance.